The following is an entry in ClinVar:

NM_005902.4(SMAD3):c.744C>A (p.Phe248Leu)

Gene: SMAD3 (SMAD family member 3; plus strand). Cytogenetic location: 15q22.33.
Variant type: single nucleotide variant.
Coding change: c.744C>A on transcript NM_005902.4 (MANE Select); coding-DNA position 744, C replaced by A.
Protein change: p.Phe248Leu; replaces phenylalanine 248 with leucine.
Molecular consequence: missense variant.
Genome position (GRCh38, 1-based): chr15:67,181,326, C>A. VCF-style: chr15-67181326-C-A. GRCh37 (hg19) VCF-style: chr15-67473664-C-A.
Other names: c.429C>A, p.Phe143Leu (NM_001145102.2, NM_001407016.1); c.612C>A, p.Phe204Leu (NM_001145103.2, NM_001407012.1); c.159C>A, p.Phe53Leu (NM_001145104.2, NM_001407017.1); c.744C>A, p.Phe248Leu (NM_001407011.1, NM_001407013.1); c.597C>A, p.Phe199Leu (NM_001407014.1); c.297C>A, p.Phe99Leu (NM_001407015.1); short protein forms F143L, F199L, F204L, F248L, F53L, F99L.
Identifiers: ClinVar variation 2663283 (VCV002663283.2), dbSNP rs376023379, ClinGen allele CA392956170.

ClinVar aggregate classification (germline): Uncertain significance (1 of 4 stars; one submission).

Submission:

GeneDx
Classification: Uncertain significance. Last evaluated: 2025-01-29. Review status: criteria provided, single submitter. Criteria: GeneDx Variant Classification Process June 2021. Collection method: clinical testing. Allele origin: germline.
Comment: Not observed at significant frequency in large population cohorts (gnomAD); In silico analysis supports that this missense variant has a deleterious effect on protein structure/function; Has not been previously published as pathogenic or benign to our knowledge